The following is an entry in ClinVar:

NM_000368.5(TSC1):c.478C>T (p.Arg160Cys)

Gene: TSC1 (TSC complex subunit 1; minus strand). Cytogenetic location: 9q34.13.
Variant type: single nucleotide variant.
Coding change: c.478C>T on transcript NM_000368.5 (MANE Select); coding-DNA position 478, C replaced by T.
Protein change: p.Arg160Cys; replaces arginine 160 with cysteine.
Molecular consequence: missense variant.
Genome position (GRCh38, 1-based): chr9:132,923,378, G>A on the plus strand (C>T on the coding strand, the complement: TSC1 is on the minus strand). VCF-style: chr9-132923378-G-A. GRCh37 (hg19) VCF-style: chr9-135798765-G-A.
Other names: c.478C>T, p.Arg160Cys (NM_001162426.2); c.325C>T, p.Arg109Cys (NM_001162427.2); c.115C>T, p.Arg39Cys (NM_001362177.2); short protein forms R160C, R109C, R39C.
Identifiers: ClinVar variation 466144 (VCV000466144.16), dbSNP rs1554819886, ClinGen allele CA375373227.
Genomic context (GRCh38, chr9:132,923,378, plus strand): 5'-GGCCCAACAGGTATATGAGGAGATCTGTACCTGGTTTCTTCAGGCACCATGATGACAGAC[G>A]GCCAAAAATGTCAAAGAAATCAAGAAGATGCTGTTTCCCAGACTGTGGAATCATTGGTAG-3'
Protein context (NP_000359.1, residues 150-170): HLLDFFDIFG[Arg160Cys]LSSWCLKKPG

ClinVar aggregate classification (germline): Uncertain significance. Review status: criteria provided, multiple submitters, no conflicts (2 of 4 stars). 3 submissions from 3 submitters: Uncertain significance (3). Last evaluated 2025-11-15.

Conditions:
Hereditary cancer-predisposing syndrome. Also called: Hereditary neoplastic syndrome; Neoplastic Syndromes, Hereditary; Tumor predisposition; Hereditary Cancer Syndrome. Identifiers: Orphanet 140162, MedGen C0027672, MeSH D009386, MONDO:0015356.
Tuberous sclerosis 1 (TSC1). Identifiers: Orphanet 805, MedGen C1854465, MONDO:0008612, OMIM 191100.
Isolated focal cortical dysplasia type II (FCORD2). Also called: CORTICAL DYSPLASIA OF TAYLOR; Focal cortical dysplasia type II. Identifiers: Orphanet 268994, MedGen C1846385, MONDO:0011818, OMIM 607341, HP:0032051.
Lymphangiomyomatosis (LAM). Also called: Lymphangioleiomyomatosis; Lymphangioleiomyomatosis, somatic. Identifiers: Orphanet 538, MedGen C0751674, MONDO:0011705, OMIM 606690.

Allele frequency attached by ClinVar (database versions not stated): gnomAD exomes below 0.00001.
gnomAD v4.1: 4 of 1,614,090 alleles (0.00025%); highest among the groups gnomAD compares: Non-Finnish European, 0.00034%; no homozygotes.

Submissions (3):

Labcorp Genetics (formerly Invitae), Labcorp
Classification: Uncertain significance for Tuberous sclerosis 1. Last evaluated: 2025-11-15. Review status: criteria provided, single submitter. Criteria: Invitae Variant Classification Sherloc (09022015). Collection method: clinical testing. Allele origin: germline.
Comment: This sequence change replaces arginine, which is basic and polar, with cysteine, which is neutral and slightly polar, at codon 160 of the TSC1 protein (p.Arg160Cys). This variant is not present in population databases (gnomAD no frequency). This variant has not been reported in the literature in individuals affected with TSC1-related conditions. ClinVar contains an entry for this variant (Variation ID: 466144). Invitae Evidence Modeling of protein sequence and biophysical properties (such as structural, functional, and spatial information, amino acid conservation, physicochemical variation, residue mobility, and thermodynamic stability) has been performed for this missense variant. However, the output from this modeling did not meet the statistical confidence thresholds required to predict the impact of this variant on TSC1 protein function. In summary, the available evidence is currently insufficient to determine the role of this variant in disease. Therefore, it has been classified as a Variant of Uncertain Significance.

Ambry Genetics
Classification: Uncertain significance for Hereditary cancer-predisposing syndrome. Last evaluated: 2025-01-02. Review status: criteria provided, single submitter. Criteria: Ambry Variant Classification Scheme 2023. Collection method: clinical testing. Allele origin: germline.
Comment: The p.R160C variant (also known as c.478C>T), located in coding exon 4 of the TSC1 gene, results from a C to T substitution at nucleotide position 478. The arginine at codon 160 is replaced by cysteine, an amino acid with highly dissimilar properties. This amino acid position is highly conserved in available vertebrate species. In addition, this alteration is predicted to be deleterious by in silico analysis. Based on the available evidence, the clinical significance of this variant remains unclear.

Fulgent Genetics
Classification: Uncertain significance for Tuberous sclerosis 1; Lymphangiomyomatosis; Isolated focal cortical dysplasia type II. Last evaluated: 2021-11-13. Review status: criteria provided, single submitter. Criteria: ACMG Guidelines, 2015. Collection method: clinical testing. Allele origin: unknown.